The following is an entry in ClinVar:

NM_000051.4(ATM):c.9026T>C (p.Val3009Ala)

Genes: ATM (ATM serine/threonine kinase; plus strand), C11orf65 (chromosome 11 open reading frame 65; minus strand). Cytogenetic location: 11q22.3.
Variant type: single nucleotide variant.
Coding change: c.9026T>C on transcript NM_000051.4 (MANE Select); coding-DNA position 9026, T replaced by C.
Protein change: p.Val3009Ala; replaces valine 3009 with alanine.
Molecular consequence: missense variant. On other transcripts: intron variant (2).
Genome position (GRCh38, 1-based): chr11:108,365,363, T>C. VCF-style: chr11-108365363-T-C. GRCh37 (hg19) VCF-style: chr11-108236090-T-C.
Other names: c.9026T>C, p.Val3009Ala (NM_001351834.2); c.640+20557A>G (NM_001330368.2); c.694+20557A>G (NM_001351110.2); short protein forms V3009A.
Identifiers: ClinVar variation 1765521 (VCV001765521.5), dbSNP rs1565608934, ClinGen allele CA382531149.
Genomic context (GRCh38, chr11:108,365,363, plus strand): 5'-ACCTTTGTGTTTTTGTCCTTAGTGATATTGACCAGAGTTTCAACAAAGTAGCTGAACGTG[T>C]CTTAATGAGACTACAAGAGAAACTGAAAGGAGTGGAAGAAGGCACTGTGCTCAGTGTTGG-3'
Protein context (NP_000042.3, residues 2999-3019): DQSFNKVAER[Val3009Ala]LMRLQEKLKG

ClinVar aggregate classification (germline): Uncertain significance. Review status: criteria provided, multiple submitters, no conflicts (2 of 4 stars). 2 submissions from 2 submitters: Uncertain significance (2). Last evaluated 2024-05-07.

Conditions:
Hereditary cancer-predisposing syndrome. Also called: Hereditary neoplastic syndrome; Neoplastic Syndromes, Hereditary; Tumor predisposition; Hereditary Cancer Syndrome. Identifiers: Orphanet 140162, MedGen C0027672, MeSH D009386, MONDO:0015356.
Ataxia-telangiectasia syndrome (AT). Also called: Ataxia telangiectasia (A-T); LOUIS-BAR SYNDROME; Cerebello-oculocutaneous telangiectasia; Immunodeficiency with ataxia telangiectasia; Ataxia-telangiectasia, complementation group D; AT, COMPLEMENTATION GROUP C. Identifiers: Orphanet 100, MedGen C0004135, MONDO:0008840, OMIM 208900.

Allele frequency attached by ClinVar (database versions not stated): gnomAD 0.00001.
gnomAD v4.1: 1 of 1,614,056 alleles (0.000062%); highest among the groups gnomAD compares: South Asian, 0.0011%; no homozygotes.

Submissions (2):

Labcorp Genetics (formerly Invitae), Labcorp
Classification: Uncertain significance for Ataxia-telangiectasia syndrome. Last evaluated: 2024-05-07. Review status: criteria provided, single submitter. Criteria: Invitae Variant Classification Sherloc (09022015). Collection method: clinical testing. Allele origin: germline.
Comment: This sequence change replaces valine, which is neutral and non-polar, with alanine, which is neutral and non-polar, at codon 3009 of the ATM protein (p.Val3009Ala). This variant is not present in population databases (gnomAD no frequency). This variant has not been reported in the literature in individuals affected with ATM-related conditions. ClinVar contains an entry for this variant (Variation ID: 1765521). An algorithm developed to predict the effect of missense changes on protein structure and function (PolyPhen-2) suggests that this variant is likely to be tolerated. In summary, the available evidence is currently insufficient to determine the role of this variant in disease. Therefore, it has been classified as a Variant of Uncertain Significance.

Ambry Genetics
Classification: Uncertain significance for Hereditary cancer-predisposing syndrome. Last evaluated: 2021-09-20. Review status: criteria provided, single submitter. Criteria: Ambry Variant Classification Scheme 2023. Collection method: clinical testing. Allele origin: germline.
Comment: The p.V3009A variant (also known as c.9026T>C), located in coding exon 62 of the ATM gene, results from a T to C substitution at nucleotide position 9026. The valine at codon 3009 is replaced by alanine, an amino acid with similar properties. This amino acid position is conserved. In addition, the in silico prediction for this alteration is inconclusive. Since supporting evidence is limited at this time, the clinical significance of this alteration remains unclear.